The following is an entry in ClinVar:

NM_001113407.3(LDB1):c.1045del (p.Glu349fs)

Gene: LDB1 (LIM domain binding 1; minus strand). Cytogenetic location: 10q24.32.
Variant type: Deletion.
Coding change: c.1045del on transcript NM_001113407.3 (MANE Select); coding-DNA position 1045, one base deleted (G; older notation c.1045delG).
Protein change: p.Glu349fs; shifts the reading frame from glutamic acid 349.
Molecular consequence: frameshift variant.
Genome position (GRCh38, 1-based): chr10:102,108,284, C deleted on the plus strand (G on the coding strand, the reverse complement: LDB1 is on the minus strand); the first of 4 consecutive C bases (chr10:102,108,284-102,108,287); deleting any one gives the same sequence. VCF-style (leftmost placement, unchanged base first): chr10-102108283-TC-T. GRCh37 (hg19) VCF-style: chr10-103868040-TC-T.
Other names: c.1039del, p.Glu347fs (NM_001321612.2); c.937del, p.Glu313fs (NM_003893.5); short protein forms E313fs, E347fs, E349fs.
Identifiers: ClinVar variation 4818730 (VCV004818730.1).

ClinVar aggregate classification (germline): Pathogenic (1 of 4 stars; one submission).

Conditions:
Autosomal dominant non-syndromic intellectual disability. Identifiers: Orphanet 178469, MedGen C5680502, MONDO:0015802.

Submission:

Department of Human Genetics, University Hospital Bern, Inselspital
Classification: Pathogenic for Autosomal dominant non-syndromic intellectual disability. Last evaluated: 2026-03-23. Review status: criteria provided, single submitter. Criteria: ACMG Guidelines, 2015. Collection method: clinical testing. Allele origin: de novo. Affected: yes.
Comment: The C-terminal truncating variant likely escapes nonsense mediated mRNA decay and affects a the important LIM interacting domain . Functional assays showed that it impairs interaction with LIM proteins in a dominant negative manner. In summary, criteria PVS1_Strong, PS3, PS2_Supporting, PM2_Supporting were used.